The following is an entry in ClinVar:

NM_001376.5(DYNC1H1):c.10216T>G (p.Leu3406Val)

Gene: DYNC1H1 (dynein cytoplasmic 1 heavy chain 1; plus strand). Cytogenetic location: 14q32.31.
Variant type: single nucleotide variant.
Coding change: c.10216T>G on transcript NM_001376.5 (MANE Select); coding-DNA position 10216, T replaced by G.
Protein change: p.Leu3406Val; replaces leucine 3406 with valine.
Molecular consequence: missense variant.
Genome position (GRCh38, 1-based): chr14:102,033,287, T>G. VCF-style: chr14-102033287-T-G. GRCh37 (hg19) VCF-style: chr14-102499624-T-G.
Other names: short protein forms L3406V.
Identifiers: ClinVar variation 2718913 (VCV002718913.3), dbSNP rs2503823474, ClinGen allele CA391023187.
Genomic context (GRCh38, chr14:102,033,287, plus strand): 5'-TTCCTGTCACTTAAATAACAGTTATCAATTGGTTCTTCCCAGCTTAACTATGCAGACATG[T>G]TAAAGAGAGTGGAGCCCCTACGCAATGAGCTGCAGAAGCTGGAAGATGACGCCAAGGACA-3'
Protein context (NP_001367.2, residues 3396-3416): AIAQLNYADM[Leu3406Val]KRVEPLRNEL

ClinVar aggregate classification (germline): Uncertain significance (1 of 4 stars; one submission).

Conditions:
Charcot-Marie-Tooth disease axonal type 2O. Also called: CHARCOT-MARIE-TOOTH NEUROPATHY, AXONAL, TYPE 2O; CHARCOT-MARIE-TOOTH DISEASE, AXONAL, AUTOSOMAL DOMINANT, TYPE 2O; Charcot-Marie-Tooth Neuropathy Type 2O; Charcot-Marie-Tooth disease, axonal, type 20. Identifiers: Orphanet 284232, MedGen C3280220, MONDO:0013644, OMIM 614228.

Submission:

Labcorp Genetics (formerly Invitae), Labcorp
Classification: Uncertain significance for Charcot-Marie-Tooth disease axonal type 2O. Last evaluated: 2023-06-18. Review status: criteria provided, single submitter. Criteria: Invitae Variant Classification Sherloc (09022015). Collection method: clinical testing. Allele origin: germline.
Comment: In summary, the available evidence is currently insufficient to determine the role of this variant in disease. Therefore, it has been classified as a Variant of Uncertain Significance. Advanced modeling of protein sequence and biophysical properties (such as structural, functional, and spatial information, amino acid conservation, physicochemical variation, residue mobility, and thermodynamic stability) has been performed at Invitae for this missense variant, however the output from this modeling did not meet the statistical confidence thresholds required to predict the impact of this variant on DYNC1H1 protein function. This variant has not been reported in the literature in individuals affected with DYNC1H1-related conditions. This variant is not present in population databases (gnomAD no frequency). This sequence change replaces leucine, which is neutral and non-polar, with valine, which is neutral and non-polar, at codon 3406 of the DYNC1H1 protein (p.Leu3406Val).